The following is an entry in ClinVar:

NM_001122630.2(CDKN1C):c.68T>C (p.Phe23Ser)

Gene: CDKN1C (cyclin dependent kinase inhibitor 1C; minus strand). Cytogenetic location: 11p15.4.
Variant type: single nucleotide variant.
Coding change: c.68T>C on transcript NM_001122630.2 (MANE Select); coding-DNA position 68, T replaced by C.
Protein change: p.Phe23Ser; replaces phenylalanine 23 with serine.
Molecular consequence: missense variant.
Genome position (GRCh38, 1-based): chr11:2,885,389, A>G on the plus strand (T>C on the coding strand, the complement: CDKN1C is on the minus strand). VCF-style: chr11-2885389-A-G. GRCh37 (hg19) VCF-style: chr11-2906619-A-G.
Other names: c.101T>C, p.Phe34Ser (NM_000076.2, NM_001362474.2); c.68T>C, p.Phe23Ser (NM_001122631.2, NM_001362475.2); short protein forms F34S, F23S.
Identifiers: ClinVar variation 3645730 (VCV003645730.2).

ClinVar aggregate classification (germline): Likely pathogenic (1 of 4 stars; one submission).

Conditions:
Beckwith-Wiedemann syndrome (BWS). Also called: EMG SYNDROME; Exomphalos macroglossia gigantism syndrome. Identifiers: Orphanet 116, MedGen C0004903, MONDO:0007534, OMIM 130650.

Submission:

Labcorp Genetics (formerly Invitae), Labcorp
Classification: Likely pathogenic for Beckwith-Wiedemann syndrome. Last evaluated: 2024-04-18. Review status: criteria provided, single submitter. Criteria: Invitae Variant Classification Sherloc (09022015). Collection method: clinical testing. Allele origin: germline.
Comment: This sequence change replaces phenylalanine, which is neutral and non-polar, with serine, which is neutral and polar, at codon 34 of the CDKN1C protein (p.Phe34Ser). This variant is not present in population databases (gnomAD no frequency). This missense change has been observed in individual(s) with clinical features of Beckwith-Wiedemann syndrome (Invitae). In at least one individual the variant was observed to be de novo. Advanced modeling of protein sequence and biophysical properties (such as structural, functional, and spatial information, amino acid conservation, physicochemical variation, residue mobility, and thermodynamic stability) performed at Invitae indicates that this missense variant is not expected to disrupt CDKN1C protein function with a negative predictive value of 80%. In summary, the currently available evidence indicates that the variant is pathogenic, but additional data are needed to prove that conclusively. Therefore, this variant has been classified as Likely Pathogenic.